The following is an entry in ClinVar:

ClinVar aggregate classification (germline): Uncertain significance (1 of 4 stars; one submission).

Conditions:
Hereditary cancer-predisposing syndrome. Also called: Tumor predisposition; Neoplastic Syndromes, Hereditary; Hereditary Cancer Syndrome; Hereditary neoplastic syndrome. Identifiers: Orphanet 140162, MedGen C0027672, MeSH D009386, MONDO:0015356.

Submission:

Ambry Genetics
Classification: Uncertain significance for Hereditary cancer-predisposing syndrome. Last evaluated: 2024-11-20. Review status: criteria provided, single submitter. Criteria: Ambry Variant Classification Scheme 2023. Collection method: clinical testing. Allele origin: germline.
Comment: The p.R72G variant (also known as c.214A>G), located in coding exon 2 of the EGFR gene, results from an A to G substitution at nucleotide position 214. The arginine at codon 72 is replaced by glycine, an amino acid with dissimilar properties. This amino acid position is conserved. In addition, this alteration is predicted to be tolerated by in silico analysis. Based on the available evidence, the clinical significance of this variant remains unclear.

NM_005228.5(EGFR):c.214A>G (p.Arg72Gly)

Gene: EGFR (epidermal growth factor receptor; plus strand). Cytogenetic location: 7p11.2.
Variant type: single nucleotide variant.
Coding change: c.214A>G on transcript NM_005228.5 (MANE Select); coding-DNA position 214, A replaced by G.
Protein change: p.Arg72Gly; replaces arginine 72 with glycine.
Molecular consequence: missense variant. On other transcripts: intron variant (1).
Genome position (GRCh38, 1-based): chr7:55,142,411, A>G. VCF-style: chr7-55142411-A-G. GRCh37 (hg19) VCF-style: chr7-55210104-A-G.
Other names: c.214A>G, p.Arg72Gly (NM_001346897.2, NM_001346898.2, NM_001346899.2 and 3 more transcripts); c.55A>G, p.Arg19Gly (NM_001346900.2); c.89-13419A>G (NM_001346941.2); short protein forms R72G, R19G.
Identifiers: ClinVar variation 3507164 (VCV003507164.1).